The following is an entry in ClinVar:

NC_000015.9:g.(?_44921451)_(44925371_?)del

Gene: SPG11 (SPG11 vesicle trafficking associated, spatacsin; minus strand). Cytogenetic location: 15q21.1.
Variant type: Deletion.
Identifiers: ClinVar variation 3243798 (VCV003243798.1).

ClinVar aggregate classification (germline): Likely pathogenic (1 of 4 stars; one submission).

Conditions:
Hereditary spastic paraplegia 11. Also called: Spastic paraplegia, mental retardation and thin corpus callosum; SPASTIC PARAPLEGIA, AUTOSOMAL RECESSIVE, COMPLICATED, WITH THIN CORPUS CALLOSUM; SPASTIC PARAPLEGIA, AUTOSOMAL RECESSIVE, WITH MENTAL IMPAIRMENT AND THIN CORPUS CALLOSUM; Spastic Paraplegia 11; Nakamura Osame syndrome; Autosomal recessive hereditary spastic paraplegia, mental impairment, and thin corpus callosum. Identifiers: Orphanet 2822, MedGen C1858479, MONDO:0011445, OMIM 604360.

Submission:

Labcorp Genetics (formerly Invitae), Labcorp
Classification: Likely pathogenic for Hereditary spastic paraplegia 11. Last evaluated: 2023-11-17. Review status: criteria provided, single submitter. Criteria: Invitae Variant Classification Sherloc (09022015). Collection method: clinical testing. Allele origin: unknown.
Comment: This variant results in the deletion of part of exon 9 (c.1735+332_1871delinsT) of the SPG11 gene. It is expected to disrupt RNA splicing. Variants that disrupt the donor or acceptor splice site typically lead to a loss of protein function (PMID: 16199547), and loss-of-function variants in SPG11 are known to be pathogenic (PMID: 19105190, 20110243, 22154821, 26556829). This variant has not been reported in the literature in individuals affected with SPG11-related conditions. In summary, the currently available evidence indicates that the variant is pathogenic, but additional data are needed to prove that conclusively. Therefore, this variant has been classified as Likely Pathogenic.

Literature cited by the submitters: PubMed 16199547; PubMed 19105190; PubMed 20110243; PubMed 22154821; PubMed 26556829.